The following is an entry in ClinVar:

ClinVar aggregate classification (germline): Pathogenic (1 of 4 stars; one submission).

Submission:

Labcorp Genetics (formerly Invitae), Labcorp
Classification: Pathogenic. Last evaluated: 2022-12-29. Review status: criteria provided, single submitter. Criteria: Invitae Variant Classification Sherloc (09022015). Collection method: clinical testing. Allele origin: germline.
Comment: For these reasons, this variant has been classified as Pathogenic. This variant has not been reported in the literature in individuals affected with IL6ST-related conditions. This variant is not present in population databases (gnomAD no frequency). This sequence change creates a premature translational stop signal (p.Val530*) in the IL6ST gene. It is expected to result in an absent or disrupted protein product. Loss-of-function variants in IL6ST are known to be pathogenic (PMID: 31914175).

Literature cited by the submitters: PubMed 31914175.

NM_002184.4(IL6ST):c.1587del (p.Lys529_Val530insTer)

Gene: IL6ST (interleukin 6 cytokine family signal transducer; minus strand). Cytogenetic location: 5q11.2.
Variant type: Deletion.
Coding change: c.1587del on transcript NM_002184.4 (MANE Select); coding-DNA position 1587, one base deleted (A; older notation c.1587delA).
Protein change: p.Lys529_Val530insTer.
Molecular consequence: frameshift variant. On other transcripts: 3 prime UTR variant (1), non-coding transcript variant (2).
Genome position (GRCh38, 1-based): chr5:55,952,041, T deleted on the plus strand (A on the coding strand, the reverse complement: IL6ST is on the minus strand); the first of 7 consecutive T bases (chr5:55,952,041-55,952,047); deleting any one gives the same sequence. VCF-style (leftmost placement, unchanged base first): chr5-55952040-CT-C. GRCh37 (hg19) VCF-style: chr5-55247868-CT-C.
Other names: c.1404del, p.Lys468_Val469insTer (NM_001190981.2); c.1485del, p.Lys495_Val496insTer (NM_001364275.2); c.1377del, p.Lys459_Val460insTer (NM_001364276.2); c.720del, p.Lys240_Val241insTer (NM_001364277.2); c.684del, p.Lys228_Val229insTer (NM_001364278.2); c.591del, p.Lys197_Val198insTer (NM_001364279.2); c.*514del (NM_175767.3).
Identifiers: ClinVar variation 2780056 (VCV002780056.3), dbSNP rs776023104, ClinGen allele CA3271369.